The following is an entry in ClinVar:

NM_000051.4(ATM):c.5319+4T>C

Gene: ATM (ATM serine/threonine kinase; plus strand). Cytogenetic location: 11q22.3.
Variant type: single nucleotide variant.
Coding change: c.5319+4T>C on transcript NM_000051.4 (MANE Select); 4 bases into the intron after coding-DNA position 5319, T replaced by C.
Molecular consequence: intron variant.
Genome position (GRCh38, 1-based): chr11:108,301,793, T>C. VCF-style: chr11-108301793-T-C. GRCh37 (hg19) VCF-style: chr11-108172520-T-C.
Other names: c.5319+4T>C (NM_001351834.2).
Identifiers: ClinVar variation 481054 (VCV000481054.12), dbSNP rs1170957197, ClinGen allele CA658656250.

ClinVar aggregate classification (germline): Uncertain significance. Review status: criteria provided, multiple submitters, no conflicts (2 of 4 stars). 2 submissions from 2 submitters: Uncertain significance (2). Last evaluated 2026-02-06.

Conditions:
Hereditary cancer-predisposing syndrome. Also called: Tumor predisposition; Hereditary Cancer Syndrome; Neoplastic Syndromes, Hereditary; Hereditary neoplastic syndrome. Identifiers: Orphanet 140162, MedGen C0027672, MeSH D009386, MONDO:0015356.
Ataxia-telangiectasia syndrome (AT). Also called: Ataxia telangiectasia (A-T); LOUIS-BAR SYNDROME; ATAXIA-TELANGIECTASIA, FRESNO VARIANT; Ataxia-telangiectasia; Ataxia-telangiectasia, complementation group E; Ataxia-telangiectasia, complementation group D. Identifiers: Orphanet 100, MedGen C0004135, MONDO:0008840, OMIM 208900.

Submissions (2):

Ambry Genetics
Classification: Uncertain significance for Hereditary cancer-predisposing syndrome. Last evaluated: 2026-02-06. Review status: criteria provided, single submitter. Criteria: Ambry Variant Classification Scheme 2023. Collection method: clinical testing. Allele origin: germline.
Comment: The c.5319+4T>C intronic variant results from a T to C substitution 4 nucleotides after coding exon 34 in the ATM gene. This nucleotide position is highly conserved in available vertebrate species. In silico splice site analysis predicts that this alteration may weaken the native splice donor site. Based on the available evidence, the clinical significance of this variant remains unclear.

Labcorp Genetics (formerly Invitae), Labcorp
Classification: Uncertain significance for Ataxia-telangiectasia syndrome. Last evaluated: 2021-01-08. Review status: criteria provided, single submitter. Criteria: Invitae Variant Classification Sherloc (09022015). Collection method: clinical testing. Allele origin: germline.
Comment: Nucleotide substitutions within the consensus splice site are a relatively common cause of aberrant splicing (PMID: 17576681, 9536098). Algorithms developed to predict the effect of sequence changes on RNA splicing suggest that this variant may disrupt the consensus splice site, but this prediction has not been confirmed by published transcriptional studies. In summary, the available evidence is currently insufficient to determine the role of this variant in disease. Therefore, it has been classified as a Variant of Uncertain Significance. This variant has not been reported in the literature in individuals with ATM-related conditions. ClinVar contains an entry for this variant (Variation ID: 481054). This sequence change falls in intron 35 of the ATM gene. It does not directly change the encoded amino acid sequence of the ATM protein. It affects a nucleotide within the consensus splice site of the intron. This variant is not present in population databases (ExAC no frequency).

Literature cited by the submitters: PubMed 17576681 (cited by Labcorp Genetics (formerly Invitae), Labcorp); PubMed 9536098 (cited by Labcorp Genetics (formerly Invitae), Labcorp).